The following is an entry in ClinVar:

ClinVar aggregate classification (germline): Uncertain significance (1 of 4 stars; one submission).

Submission:

CeGaT Center for Human Genetics Tuebingen
Classification: Uncertain significance. Last evaluated: 2025-10-01. Review status: criteria provided, single submitter. Criteria: CeGaT Center For Human Genetics Tuebingen Variant Classification Criteria Version 2. Collection method: clinical testing. Allele origin: germline. Affected: yes. Observed: 1 variant allele.
Comment: CIZ1: PM2, PM4:Supporting

NM_001131016.2(CIZ1):c.2697A>G (p.Ter899Trp)

Gene: CIZ1 (CDKN1A interacting zinc finger protein 1; minus strand). Cytogenetic location: 9q34.11.
Variant type: single nucleotide variant.
Coding change: c.2697A>G on transcript NM_001131016.2 (MANE Select); coding-DNA position 2697, A replaced by G.
Protein change: p.Ter899Trp.
Molecular consequence: stop lost.
Genome position (GRCh38, 1-based): chr9:128,166,197, T>C on the plus strand (A>G on the coding strand, the complement: CIZ1 is on the minus strand). VCF-style: chr9-128166197-T-C. GRCh37 (hg19) VCF-style: chr9-130928476-T-C.
Other names: c.2529A>G, p.Ter843Trp (NM_001131015.2); c.2514A>G, p.Ter838Trp (NM_001131017.2); c.2457A>G, p.Ter819Trp (NM_001131018.2); c.2865A>G, p.Ter955Trp (NM_001257975.2); c.2394A>G, p.Ter798Trp (NM_001257976.2); c.2697A>G, p.Ter899Trp (NM_012127.3).
Identifiers: ClinVar variation 4535008 (VCV004535008.6).